The following is an entry in ClinVar:

ClinVar aggregate classification (germline): Uncertain significance (1 of 4 stars; one submission).

Submission:

GeneDx
Classification: Uncertain significance. Last evaluated: 2024-12-26. Review status: criteria provided, single submitter. Criteria: GeneDx Variant Classification Process June 2021. Collection method: clinical testing. Allele origin: germline. Affected: yes.
Comment: Not observed at significant frequency in large population cohorts (gnomAD); In-frame deletion of 2 amino acids in a non-repeat region; In silico analysis indicates that this variant does not alter protein structure/function; Has not been previously published as pathogenic or benign to our knowledge

NM_001940.4(ATN1):c.3193_3198del (p.Gln1065_Gln1066del)

Gene: ATN1 (atrophin 1; plus strand). Cytogenetic location: 12p13.31.
Variant type: Deletion.
Coding change: c.3193_3198del on transcript NM_001940.4 (MANE Select); coding-DNA positions 3193 to 3198, 6 bases deleted (CAGCAA; older notation c.3193_3198delCAGCAA).
Protein change: p.Gln1065_Gln1066del.
Genome position (GRCh38, 1-based): chr12:6,939,156-6,939,161, CAGCAA deleted. VCF-style (leftmost placement, unchanged base first): chr12-6939155-CCAGCAA-C. GRCh37 (hg19) VCF-style: chr12-7048318-CCAGCAA-C.
Other names: c.3193_3198del, p.Gln1065_Gln1066del (NM_001007026.2, NM_001424176.1, NM_001424177.1 and 1 more transcripts); c.3190_3195del, p.Gln1064_Gln1065del (NM_001424179.1, NM_001424180.1); c.3169_3174del, p.Gln1057_Gln1058del (NM_001424182.1).
Identifiers: ClinVar variation 3907910 (VCV003907910.1).